The following is an entry in ClinVar:

NM_001005373.4(LRSAM1):c.965A>G (p.Gln322Arg)

Gene: LRSAM1 (leucine rich repeat and sterile alpha motif containing 1; plus strand). Cytogenetic location: 9q33.3.
Variant type: single nucleotide variant.
Coding change: c.965A>G on transcript NM_001005373.4 (MANE Select); coding-DNA position 965, A replaced by G.
Protein change: p.Gln322Arg; replaces glutamine 322 with arginine.
Molecular consequence: missense variant. On other transcripts: non-coding transcript variant (2).
Genome position (GRCh38, 1-based): chr9:127,479,900, A>G. VCF-style: chr9-127479900-A-G. GRCh37 (hg19) VCF-style: chr9-130242179-A-G.
Other names: p.Gln322Arg; c.965A>G, p.Gln322Arg (NM_001005374.4, NM_001190723.3, NM_001384142.1 and 2 more transcripts); c.176A>G, p.Gln59Arg (NM_001384144.1); c.965A>G (NM_138361.4); short protein forms Q322R, Q59R.
Identifiers: ClinVar variation 241839 (VCV000241839.74), dbSNP rs56380300, ClinGen allele CA5246774.

ClinVar aggregate classification (germline): Benign/Likely benign. Review status: criteria provided, multiple submitters, no conflicts (2 of 4 stars). 15 submissions from 15 submitters: Benign (6); Likely benign (7). 2 of the submissions do not count toward it. Last evaluated 2026-06-29.

Conditions:
LRSAM1-related disorder. Also called: LRSAM1-related condition.
Inborn genetic diseases. Identifiers: MedGen C0950123, MeSH D030342.
Charcot-Marie-Tooth disease. Also called: Charcot-Marie-Tooth Neuropathy; Charcot-Marie-Tooth Hereditary Neuropathy. Identifiers: Orphanet 166, MedGen C0007959, MONDO:0015626.
Charcot-Marie-Tooth disease axonal type 2P. Also called: CHARCOT-MARIE-TOOTH NEUROPATHY, TYPE 2P; Charcot-Marie-Tooth Neuropathy Type 2G; CHARCOT-MARIE-TOOTH DISEASE, AXONAL, TYPE 2G; CMT 2G. Identifiers: Orphanet 300319, Orphanet 99941, MedGen C3280797, MONDO:0013753, OMIM 614436.

Allele frequency attached by ClinVar (database versions not stated): 1000 Genomes Project 30x 0.00203; 1000 Genomes Project 0.00220; ESP Exome Variant Server 0.00300; TOPMed 0.00306; gnomAD 0.00328 and 0.00339; ExAC 0.00375; gnomAD exomes 0.00384 and 0.00507.
gnomAD v4.1: 7,900 of 1,611,996 alleles (0.49%); highest among the groups gnomAD compares: South Asian, 0.83%; 42 homozygotes.

Submissions (15):

PreventionGenetics, part of Exact Sciences
Classification: Benign for LRSAM1-related condition. Last evaluated: 2026-06-29. Review status: criteria provided, single submitter. Criteria: ACMG Guidelines, 2015. Collection method: clinical testing. Allele origin: germline.
Comment: This variant is classified as benign based on ACMG/AMP sequence variant interpretation guidelines (Richards et al. 2015 PMID: 25741868, with internal and published modifications).

CeGaT Center for Human Genetics Tuebingen
Classification: Likely benign. Last evaluated: 2026-02-01. Review status: criteria provided, single submitter. Criteria: CeGaT Center For Human Genetics Tuebingen Variant Classification Criteria Version 2. Collection method: clinical testing. Allele origin: germline. Affected: yes. Observed: 18 variant alleles.
Comment: LRSAM1: BP4, BS2

Labcorp Genetics (formerly Invitae), Labcorp
Classification: Benign for Charcot-Marie-Tooth disease axonal type 2P. Last evaluated: 2026-02-01. Review status: criteria provided, single submitter. Criteria: Invitae Variant Classification Sherloc (09022015). Collection method: clinical testing. Allele origin: germline.

Women's Health and Genetics/Laboratory Corporation of America, LabCorp
Classification: Likely benign. Last evaluated: 2025-06-10. Review status: criteria provided, single submitter. Criteria: LabCorp Variant Classification Summary - May 2015. Collection method: clinical testing. Allele origin: germline.
Comment: Variant summary: LRSAM1 c.965A>G (p.Gln322Arg) results in a conservative amino acid change in the encoded protein sequence. Algorithms developed to predict the effect of missense changes on protein structure and function all suggest that this variant is likely to be tolerated. The variant allele was found at a frequency of 0.0038 in 248064 control chromosomes, predominantly at a frequency of 0.0083 within the South Asian subpopulation in the gnomAD database, including 5 homozygotes. The observed variant frequency within South Asian control individuals in the gnomAD database is approximately 7.42 fold of the estimated maximal expected allele frequency for a pathogenic variant in LRSAM1 causing Charcot-Marie-Tooth disease axonal type 2P-AR phenotype (0.0011). To our knowledge, no occurrence of c.965A>G in individuals affected with Charcot-Marie-Tooth disease axonal type 2P-AR and no experimental evidence demonstrating its impact on protein function have been reported. ClinVar contains an entry for this variant (Variation ID: 241839). Based on the evidence outlined above, the variant was classified as likely benign.

Ambry Genetics
Classification: Likely benign for Inborn genetic diseases. Last evaluated: 2021-09-28. Review status: criteria provided, single submitter. Criteria: Ambry Variant Classification Scheme 2023. Collection method: clinical testing. Allele origin: germline.

ARUP Laboratories, Molecular Genetics and Genomics, ARUP Laboratories
Classification: Likely benign for Charcot-Marie-Tooth disease axonal type 2P. Last evaluated: 2020-03-23. Review status: criteria provided, single submitter. Criteria: ARUP Molecular Germline Variant Investigation Process. Collection method: clinical testing. Allele origin: germline.

GeneDx
Classification: Benign. Last evaluated: 2019-03-21. Review status: criteria provided, single submitter. Criteria: GeneDx Variant Classification Process June 2021. Collection method: clinical testing. Allele origin: germline. Affected: yes.

Illumina Laboratory Services, Illumina
Classification: Benign for Charcot-Marie-Tooth disease axonal type 2P. Last evaluated: 2018-01-12. Review status: criteria provided, single submitter. Criteria: ICSL Variant Classification Criteria 13 December 2019. Collection method: clinical testing. Allele origin: germline.
Comment: This variant was observed in the ICSL laboratory as part of a predisposition screen in an ostensibly healthy population. It had not been previously curated by ICSL or reported in the Human Gene Mutation Database (HGMD: prior to June 1st, 2018), and was therefore a candidate for classification through an automated scoring system. Utilizing variant allele frequency, disease prevalence and penetrance estimates, and inheritance mode, an automated score was calculated to assess if this variant is too frequent to cause the disease. Based on the score and internal cut-off values, a variant classified as benign is not then subjected to further curation. The score for this variant resulted in a classification of benign for this disease.

Center for Pediatric Genomic Medicine, Children's Mercy Hospital and Clinics
Classification: Likely benign. Last evaluated: 2017-01-04. Review status: criteria provided, single submitter. Criteria: ACMG Guidelines, 2015. Collection method: clinical testing. Allele origin: germline.
ClinVar note: Converted during submission from Likely Benign to Likely benign.

Mayo Clinic Laboratories, Mayo Clinic
Classification: Benign. Last evaluated: 2016-04-14. Review status: criteria provided, single submitter. Criteria: ACMG Guidelines, 2015. Collection method: clinical testing. Allele origin: germline. Observed: 23 variant alleles.

Genomic Diagnostic Laboratory, Division of Genomic Diagnostics, Children's Hospital of Philadelphia
Classification: Benign. Last evaluated: 2015-07-27. Review status: criteria provided, single submitter. Criteria: DGD Variant Analysis Guidelines. Collection method: clinical testing. Allele origin: unknown.

Breakthrough Genomics
Classification: Likely benign. Review status: criteria provided, single submitter. Criteria: ACMG Guidelines, 2015. Collection method: not provided. Allele origin: germline. Inheritance: Autosomal dominant inheritance. Affected: yes.

Molecular Genetics Laboratory, London Health Sciences Centre
Classification: Likely benign for Charcot-Marie-Tooth disease. Review status: criteria provided, single submitter. Criteria: ACMG Guidelines, 2015. Collection method: clinical testing. Allele origin: germline. Affected: yes.

Clinical Genetics, Academic Medical Center
Classification: Likely benign. Review status: no assertion criteria provided. Collection method: clinical testing. Allele origin: germline. Affected: yes. Study: VKGL Data-share Consensus. Not counted in ClinVar's aggregate classification.

Genome Diagnostics Laboratory, University Medical Center Utrecht
Classification: Likely benign. Review status: no assertion criteria provided. Collection method: clinical testing. Allele origin: germline. Affected: yes. Study: VKGL Data-share Consensus. Not counted in ClinVar's aggregate classification.